The following is an entry in ClinVar:

ClinVar aggregate classification (germline): Uncertain significance (1 of 4 stars; one submission).

Allele frequency attached by ClinVar (database versions not stated): gnomAD exomes below 0.00001; gnomAD 0.00001; TOPMed 0.00002.
gnomAD v4.1: 4 of 1,439,320 alleles (0.00028%); highest among the groups gnomAD compares: African/African-American, 0.003%; no homozygotes.

Submission:

Labcorp Genetics (formerly Invitae), Labcorp
Classification: Uncertain significance. Last evaluated: 2021-08-30. Review status: criteria provided, single submitter. Criteria: Invitae Variant Classification Sherloc (09022015). Collection method: clinical testing. Allele origin: germline.
Comment: This sequence change replaces glutamic acid with glycine at codon 131 of the SIRT1 protein (p.Glu131Gly). The glutamic acid residue is weakly conserved and there is a moderate physicochemical difference between glutamic acid and glycine. The frequency data for this variant in the population databases is considered unreliable, as metrics indicate insufficient coverage at this position in the ExAC database. This variant has not been reported in the literature in individuals affected with SIRT1-related conditions. Algorithms developed to predict the effect of missense changes on protein structure and function (SIFT, PolyPhen-2, Align-GVGD) all suggest that this variant is likely to be tolerated. In summary, the available evidence is currently insufficient to determine the role of this variant in disease. Therefore, it has been classified as a Variant of Uncertain Significance.

NM_012238.5(SIRT1):c.392A>G (p.Glu131Gly)

Gene: SIRT1 (sirtuin 1; plus strand). Cytogenetic location: 10q21.3.
Variant type: single nucleotide variant.
Coding change: c.392A>G on transcript NM_012238.5 (MANE Select); coding-DNA position 392, A replaced by G.
Protein change: p.Glu131Gly; replaces glutamic acid 131 with glycine.
Molecular consequence: missense variant.
Genome position (GRCh38, 1-based): chr10:67,885,113, A>G. VCF-style: chr10-67885113-A-G. GRCh37 (hg19) VCF-style: chr10-69644871-A-G.
Other names: short protein forms E131G.
Identifiers: ClinVar variation 1493319 (VCV001493319.6), dbSNP rs1406007212, ClinGen allele CA377036596.